The following is an entry in ClinVar:

ClinVar aggregate classification (germline): Likely benign. Review status: criteria provided, multiple submitters, no conflicts (2 of 4 stars). 2 submissions from 2 submitters: Likely benign (2). Last evaluated 2022-08-21.

Conditions:
Neurodevelopmental disorder with or without hyperkinetic movements and seizures, autosomal dominant. Also called: Intellectual disability, autosomal dominant 8. Identifiers: MedGen C3280282, MONDO:0013655, OMIM 614254.

Allele frequency attached by ClinVar (database versions not stated): TOPMed below 0.00001; gnomAD 0.00001; gnomAD exomes 0.00001.
gnomAD v4.1: 13 of 1,552,092 alleles (0.00084%); highest among the groups gnomAD compares: Middle Eastern, 0.017%; no homozygotes.

Submissions (2):

Labcorp Genetics (formerly Invitae), Labcorp
Classification: Likely benign for Neurodevelopmental disorder with or without hyperkinetic movements and seizures, autosomal dominant. Last evaluated: 2022-08-21. Review status: criteria provided, single submitter. Criteria: Invitae Variant Classification Sherloc (09022015). Collection method: clinical testing. Allele origin: germline.

GeneDx
Classification: Likely benign. Last evaluated: 2018-05-17. Review status: criteria provided, single submitter. Criteria: GeneDx Variant Classification (06012015). Collection method: clinical testing. Allele origin: germline. Affected: yes.
Comment: This variant is considered likely benign or benign based on one or more of the following criteria: it is a conservative change, it occurs at a poorly conserved position in the protein, it is predicted to be benign by multiple in silico algorithms, and/or has population frequency not consistent with disease.

NM_007327.4(GRIN1):c.258+19G>A

Gene: GRIN1 (glutamate ionotropic receptor NMDA type subunit 1; plus strand). Cytogenetic location: 9q34.3.
Variant type: single nucleotide variant.
Coding change: c.258+19G>A on transcript NM_007327.4 (MANE Select); 19 bases into the intron after coding-DNA position 258, G replaced by A.
Molecular consequence: intron variant.
Genome position (GRCh38, 1-based): chr9:137,139,763, G>A. VCF-style: chr9-137139763-G-A. GRCh37 (hg19) VCF-style: chr9-140034215-G-A.
Other names: c.258+19G>A (NM_001185090.2, NM_001185091.2, NM_021569.4 and 1 more transcripts).
Identifiers: ClinVar variation 668470 (VCV000668470.9), dbSNP rs1447155507, ClinGen allele CA591214952.